The following is an entry in ClinVar:

ClinVar aggregate classification (germline): Uncertain significance (1 of 4 stars; one submission).

Submission:

Ambry Genetics
Classification: Uncertain significance. Last evaluated: 2023-05-28. Review status: criteria provided, single submitter. Criteria: Ambry Variant Classification Scheme 2023. Collection method: clinical testing. Allele origin: germline.
Comment: The p.I388S variant (also known as c.1163T>G), located in coding exon 9 of the RINT1 gene, results from a T to G substitution at nucleotide position 1163. The isoleucine at codon 388 is replaced by serine, an amino acid with dissimilar properties. This amino acid position is conserved. In addition, the in silico prediction for this alteration is inconclusive. Since supporting evidence is limited at this time, the clinical significance of this alteration remains unclear.

NM_021930.6(RINT1):c.1163T>G (p.Ile388Ser)

Gene: RINT1 (RAD50 interactor 1; plus strand). Cytogenetic location: 7q22.3.
Variant type: single nucleotide variant.
Coding change: c.1163T>G on transcript NM_021930.6 (MANE Select); coding-DNA position 1163, T replaced by G.
Protein change: p.Ile388Ser; replaces isoleucine 388 with serine.
Molecular consequence: missense variant. On other transcripts: non-coding transcript variant (1).
Genome position (GRCh38, 1-based): chr7:105,550,316, T>G. VCF-style: chr7-105550316-T-G. GRCh37 (hg19) VCF-style: chr7-105190763-T-G.
Other names: c.929T>G, p.Ile310Ser (NM_001346599.2); c.140T>G, p.Ile47Ser (NM_001346600.2, NM_001346603.2); c.239T>G, p.Ile80Ser (NM_001346601.2); short protein forms I47S, I388S, I80S, I310S.
Identifiers: ClinVar variation 2563362 (VCV002563362.2), dbSNP rs749707534, ClinGen allele CA368808986.